The following is an entry in ClinVar:

ClinVar aggregate classification (germline): Uncertain significance (1 of 4 stars; one submission).

gnomAD v4.1: 2 of 1,613,962 alleles (0.00012%); highest among the groups gnomAD compares: Non-Finnish European, 0.00017%; no homozygotes.

Submission:

Labcorp Genetics (formerly Invitae), Labcorp
Classification: Uncertain significance. Last evaluated: 2020-08-11. Review status: criteria provided, single submitter. Criteria: Invitae Variant Classification Sherloc (09022015). Collection method: clinical testing. Allele origin: germline.
Comment: This sequence change affects codon 2045 of the POLE mRNA. It is a 'silent' change, meaning that it does not change the encoded amino acid sequence of the POLE protein. In summary, the available evidence is currently insufficient to determine the role of this variant in disease. Therefore, it has been classified as a Variant of Uncertain Significance. Algorithms developed to predict the effect of sequence changes on RNA splicing suggest that this variant may create or strengthen a splice site, but this prediction has not been confirmed by published transcriptional studies. This variant has not been reported in the literature in individuals with POLE-related conditions. This variant is not present in population databases (ExAC no frequency).

NM_006231.4(POLE):c.6135C>A (p.Pro2045=)

Gene: POLE (DNA polymerase epsilon, catalytic subunit; minus strand). Cytogenetic location: 12q24.33.
Variant type: single nucleotide variant.
Coding change: c.6135C>A on transcript NM_006231.4 (MANE Select); coding-DNA position 6135, C replaced by A.
Protein change: p.Pro2045=; no amino-acid change (proline 2045 retained).
Molecular consequence: synonymous variant.
Genome position (GRCh38, 1-based): chr12:132,632,665, G>T on the plus strand (C>A on the coding strand, the complement: POLE is on the minus strand). VCF-style: chr12-132632665-G-T. GRCh37 (hg19) VCF-style: chr12-133209251-G-T.
Identifiers: ClinVar variation 1034907 (VCV001034907.8), dbSNP rs368662693, ClinGen allele CA482848318.